The following is an entry in ClinVar:

ClinVar aggregate classification (germline): Likely benign. Review status: criteria provided, multiple submitters, no conflicts (2 of 4 stars). 2 submissions from 2 submitters: Likely benign (2). Last evaluated 2026-01-01.

Allele frequency attached by ClinVar (database versions not stated): gnomAD exomes 0.00238; gnomAD 0.00600; 1000 Genomes Project 30x 0.01312.
gnomAD v4.1: 4,329 of 1,573,534 alleles (0.28%); highest among the groups gnomAD compares: African/African-American, 0.35%; 301 homozygotes.

Submissions (2):

CeGaT Center for Human Genetics Tuebingen
Classification: Likely benign. Last evaluated: 2026-01-01. Review status: criteria provided, single submitter. Criteria: CeGaT Center For Human Genetics Tuebingen Variant Classification Criteria Version 2. Collection method: clinical testing. Allele origin: germline. Affected: yes. Observed: 2 variant alleles.
Comment: MUC5B: BP4, BS2

Ambry Genetics
Classification: Likely benign. Last evaluated: 2021-06-11. Review status: criteria provided, single submitter. Criteria: Ambry Variant Classification Scheme 2023. Collection method: clinical testing. Allele origin: germline.

NM_002458.3(MUC5B):c.9989C>T (p.Pro3330Leu)

Genes: MUC5B (mucin 5B, oligomeric mucus/gel-forming; plus strand), MUC5B-AS1 (MUC5B antisense RNA 1; minus strand). Cytogenetic location: 11p15.5.
Variant type: single nucleotide variant.
Coding change: c.9989C>T on transcript NM_002458.3 (MANE Select); coding-DNA position 9989, C replaced by T.
Protein change: p.Pro3330Leu; replaces proline 3330 with leucine.
Molecular consequence: missense variant.
Genome position (GRCh38, 1-based): chr11:1,246,869, C>T. VCF-style: chr11-1246869-C-T. GRCh37 (hg19) VCF-style: chr11-1268099-C-T.
Other names: short protein forms P3330L.
Identifiers: ClinVar variation 2338665 (VCV002338665.9), dbSNP rs199748139, ClinGen allele CA217025835.